The following is an entry in ClinVar:

NM_020877.5(DNAH2):c.5308T>C (p.Leu1770=)

Gene: DNAH2 (dynein axonemal heavy chain 2; plus strand). Cytogenetic location: 17p13.1.
Variant type: single nucleotide variant.
Coding change: c.5308T>C on transcript NM_020877.5 (MANE Select); coding-DNA position 5308, T replaced by C.
Protein change: p.Leu1770=; no amino-acid change (leucine 1770 retained).
Molecular consequence: synonymous variant.
Genome position (GRCh38, 1-based): chr17:7,778,137, T>C. VCF-style: chr17-7778137-T-C. GRCh37 (hg19) VCF-style: chr17-7681455-T-C.
Identifiers: ClinVar variation 3047834 (VCV003047834.2), dbSNP rs151121318, ClinGen allele CA8357412.

ClinVar aggregate classification (germline): Likely benign (0 of 4 stars; one submission).

Conditions:
DNAH2-related disorder. Also called: DNAH2-related condition.

Allele frequency attached by ClinVar (database versions not stated): gnomAD exomes 0.00003; ExAC 0.00008; gnomAD 0.00013; TOPMed 0.00023; ESP Exome Variant Server 0.00069.
gnomAD v4.1: 61 of 1,614,072 alleles (0.0038%); highest among the groups gnomAD compares: African/African-American, 0.075%; no homozygotes.

Submission:

PreventionGenetics, part of Exact Sciences
Classification: Likely benign for DNAH2-related condition. Last evaluated: 2019-02-18. Review status: no assertion criteria provided. Collection method: clinical testing. Allele origin: germline.
Comment: This variant is classified as likely benign based on ACMG/AMP sequence variant interpretation guidelines (Richards et al. 2015 PMID: 25741868, with internal and published modifications).